The following is an entry in ClinVar:

NM_177438.3(DICER1):c.2773G>A (p.Glu925Lys)

Gene: DICER1 (dicer 1, ribonuclease III; minus strand). Cytogenetic location: 14q32.13.
Variant type: single nucleotide variant.
Coding change: c.2773G>A on transcript NM_177438.3 (MANE Select); coding-DNA position 2773, G replaced by A.
Protein change: p.Glu925Lys; replaces glutamic acid 925 with lysine.
Molecular consequence: missense variant.
Genome position (GRCh38, 1-based): chr14:95,107,639, C>T on the plus strand (G>A on the coding strand, the complement: DICER1 is on the minus strand). VCF-style: chr14-95107639-C-T. GRCh37 (hg19) VCF-style: chr14-95573976-C-T.
Other names: c.2773G>A, p.Glu925Lys (NM_001195573.1, NM_001271282.3, NM_001291628.2 and 1 more transcripts); short protein forms E925K.
Identifiers: ClinVar variation 941599 (VCV000941599.11), dbSNP rs1891554648, ClinGen allele CA390879468.

ClinVar aggregate classification (germline): Uncertain significance (1 of 4 stars; one submission).

Conditions:
DICER1-related tumor predisposition. Also called: DICER1 syndrome; DICER1-related pleuropulmonary blastoma cancer predisposition syndrome. Identifiers: Orphanet 284343, MedGen C3839822, MONDO:0100216.

Submission:

Labcorp Genetics (formerly Invitae), Labcorp
Classification: Uncertain significance for DICER1-related tumor predisposition. Last evaluated: 2019-07-18. Review status: criteria provided, single submitter. Criteria: Invitae Variant Classification Sherloc (09022015). Collection method: clinical testing. Allele origin: germline.
Comment: In summary, the available evidence is currently insufficient to determine the role of this variant in disease. Therefore, it has been classified as a Variant of Uncertain Significance. Algorithms developed to predict the effect of missense changes on protein structure and function are either unavailable or do not agree on the potential impact of this missense change (SIFT: "Deleterious"; PolyPhen-2: "Probably Damaging"; Align-GVGD: "Class C15"). This variant has not been reported in the literature in individuals with DICER1-related conditions. This variant is not present in population databases (ExAC no frequency). This sequence change replaces glutamic acid with lysine at codon 925 of the DICER1 protein (p.Glu925Lys). The glutamic acid residue is highly conserved and there is a small physicochemical difference between glutamic acid and lysine.